The following is an entry in ClinVar:

ClinVar aggregate classification (germline): Uncertain significance. Review status: criteria provided, multiple submitters, no conflicts (2 of 4 stars). 4 submissions from 4 submitters: Uncertain significance (4). Last evaluated 2026-02-03.

Conditions:
Bone mineral density quantitative trait locus 1 (BMND1). Identifiers: MedGen C1866079, OMIM 601884.
Polycystic liver disease 4 with or without kidney cysts. Identifiers: MedGen C4693479, MONDO:0044327, OMIM 617875.
Autosomal dominant osteopetrosis 1 (OPTA1). Also called: OSTEOPETROSIS, AUTOSOMAL DOMINANT, TYPE I. Identifiers: Orphanet 2783, MedGen C1843330, MONDO:0011877, OMIM 607634.
Worth disease. Also called: ENDOSTEAL HYPEROSTOSIS, AUTOSOMAL DOMINANT; OSTEOSCLEROSIS, AUTOSOMAL DOMINANT; Autosomal dominant osteosclerosis, Worth type. Identifiers: Orphanet 2790, MedGen C0432273, MONDO:0007764, OMIM 144750.
Exudative vitreoretinopathy 4 (EVR4). Identifiers: Orphanet 891, MedGen C1866176, MONDO:0011151, OMIM 601813.
Osteoporosis with pseudoglioma (OPPG). Also called: osteoporosis-pseudoglioma syndrome. Identifiers: Orphanet 2788, MedGen C0432252, MONDO:0009820, OMIM 259770.

Allele frequency attached by ClinVar (database versions not stated): gnomAD exomes 0.00001 and 0.00002; ExAC 0.00001; TOPMed 0.00003; gnomAD 0.00001.
gnomAD v4.1: 13 of 1,614,110 alleles (0.00081%); highest among the groups gnomAD compares: East Asian, 0.0022%; no homozygotes.

Submissions (4):

Dasa
Classification: Uncertain significance for osteoporosis-pseudoglioma syndrome. Last evaluated: 2026-02-03. Review status: criteria provided, single submitter. Criteria: DASA Assertion Criteria. Collection method: clinical testing. Allele origin: germline.
Comment: NM_002335.4(LRP5):c.4168G>A (p.Val1390Ile) is a missense variant that results in the substitution of valine with isoleucine. This variant is rare in population databases. The currently available literature and clinical evidence are not sufficient to establish a definitive association between this variant and the reported condition. Therefore, this variant is classified as a variant of uncertain significance.

Women's Health and Genetics/Laboratory Corporation of America, LabCorp
Classification: Uncertain significance. Last evaluated: 2026-01-06. Review status: criteria provided, single submitter. Criteria: LabCorp Variant Classification Summary - May 2015. Collection method: clinical testing. Allele origin: germline.
Comment: Variant summary: LRP5 c.4168G>A (p.Val1390Ile) results in a conservative amino acid change in the encoded protein sequence. Algorithms developed to predict the effect of missense changes on protein structure and function are either unavailable or do not agree on the potential impact of this missense change. The variant allele was found at a frequency of 1.6e-05 in 251332 control chromosomes. The available data on variant occurrences in the general population are insufficient to allow any conclusion about variant significance. To our knowledge, no occurrence of c.4168G>A in individuals affected with LRP5-related conditions and no experimental evidence demonstrating its impact on protein function have been reported. ClinVar contains an entry for this variant (Variation ID: 836904). Based on the evidence outlined above, the variant was classified as uncertain significance.

Labcorp Genetics (formerly Invitae), Labcorp
Classification: Uncertain significance. Last evaluated: 2025-12-08. Review status: criteria provided, single submitter. Criteria: Invitae Variant Classification Sherloc (09022015). Collection method: clinical testing. Allele origin: germline.
Comment: This sequence change replaces valine, which is neutral and non-polar, with isoleucine, which is neutral and non-polar, at codon 1390 of the LRP5 protein (p.Val1390Ile). This variant is present in population databases (rs745582449, gnomAD 0.003%). This variant has not been reported in the literature in individuals affected with LRP5-related conditions. ClinVar contains an entry for this variant (Variation ID: 836904). Invitae Evidence Modeling of protein sequence and biophysical properties (such as structural, functional, and spatial information, amino acid conservation, physicochemical variation, residue mobility, and thermodynamic stability) indicates that this missense variant is not expected to disrupt LRP5 protein function with a negative predictive value of 95%. In summary, the available evidence is currently insufficient to determine the role of this variant in disease. Therefore, it has been classified as a Variant of Uncertain Significance.

Fulgent Genetics
Classification: Uncertain significance for Worth disease; Osteoporosis with pseudoglioma; Exudative vitreoretinopathy 4; Bone mineral density quantitative trait locus 1; Autosomal dominant osteopetrosis 1; Polycystic liver disease 4 with or without kidney cysts. Last evaluated: 2024-04-04. Review status: criteria provided, single submitter. Criteria: ACMG Guidelines, 2015. Collection method: clinical testing. Allele origin: germline.

NM_002335.4(LRP5):c.4168G>A (p.Val1390Ile)

Gene: LRP5 (LDL receptor related protein 5; plus strand). Cytogenetic location: 11q13.2.
Variant type: single nucleotide variant.
Coding change: c.4168G>A on transcript NM_002335.4 (MANE Select); coding-DNA position 4168, G replaced by A.
Protein change: p.Val1390Ile; replaces valine 1390 with isoleucine.
Molecular consequence: missense variant.
Genome position (GRCh38, 1-based): chr11:68,438,502, G>A. VCF-style: chr11-68438502-G-A. GRCh37 (hg19) VCF-style: chr11-68205970-G-A.
Other names: c.2425G>A, p.Val809Ile (NM_001291902.2); short protein forms V809I, V1390I.
Identifiers: ClinVar variation 836904 (VCV000836904.13), dbSNP rs745582449, ClinGen allele CA6150273.